The following is an entry in ClinVar:

ClinVar aggregate classification (germline): Uncertain significance (0 of 4 stars; one submission).

Conditions:
BBS5-related disorder. Also called: BBS5-related condition.

gnomAD v4.1: 4 of 1,598,250 alleles (0.00025%); highest among the groups gnomAD compares: Non-Finnish European, 0.00034%; no homozygotes.

Submission:

PreventionGenetics, part of Exact Sciences
Classification: Uncertain significance for BBS5-related condition. Last evaluated: 2024-06-24. Review status: no assertion criteria provided. Collection method: clinical testing. Allele origin: germline.
Comment: The BBS5 c.208+8T>A variant is predicted to interfere with splicing. This variant is predicted to alter splicing based on available splicing prediction programs (SpliceAI, Jaganathan et al. 2019. PubMed ID: 30661751). However, such computer prediction programs are imperfect. To our knowledge, this variant has not been reported in the literature. This variant is reported in 0.00088% of alleles in individuals of European (Non-Finnish) descent in gnomAD. Although we suspect that this variant may be pathogenic, at this time, the clinical significance of this variant is uncertain due to the absence of conclusive functional and genetic evidence.

NM_152384.3(BBS5):c.208+8T>A

Gene: BBS5 (Bardet-Biedl syndrome 5; plus strand). Cytogenetic location: 2q31.1.
Variant type: single nucleotide variant.
Coding change: c.208+8T>A on transcript NM_152384.3 (MANE Select); 8 bases into the intron after coding-DNA position 208, T replaced by A.
Molecular consequence: intron variant.
Genome position (GRCh38, 1-based): chr2:169,487,142, T>A. VCF-style: chr2-169487142-T-A. GRCh37 (hg19) VCF-style: chr2-170343652-T-A.
Identifiers: ClinVar variation 3345777 (VCV003345777.1).
Genomic context (GRCh38, chr2:169,487,142, plus strand): 5'-AACAAATTTAAGAATTCTCTGGCACTCTTTGGCATTATCAAGAGTCAATGTTTGTAAGTA[T>A]CTTTGTTAGATAAGTCTGAAGAAAAAAAATCCTTTGTCAGGTGAATTTGCATGGTGCCTT-3'